The following is an entry in ClinVar:

NM_002335.4(LRP5):c.1863C>T (p.His621=)

Gene: LRP5 (LDL receptor related protein 5; plus strand). Cytogenetic location: 11q13.2.
Variant type: single nucleotide variant.
Coding change: c.1863C>T on transcript NM_002335.4 (MANE Select); coding-DNA position 1863, C replaced by T.
Protein change: p.His621=; no amino-acid change (histidine 621 retained).
Molecular consequence: synonymous variant.
Genome position (GRCh38, 1-based): chr11:68,406,585, C>T. VCF-style: chr11-68406585-C-T. GRCh37 (hg19) VCF-style: chr11-68174053-C-T.
Other names: c.120C>T, p.His40= (NM_001291902.2); c.1863C>T (NM_002335.3).
Identifiers: ClinVar variation 1080131 (VCV001080131.11), dbSNP rs781145030, ClinGen allele CA6149474.

ClinVar aggregate classification (germline): Benign/Likely benign. Review status: criteria provided, multiple submitters, no conflicts (2 of 4 stars). 3 submissions from 3 submitters: Benign (1); Likely benign (2). Last evaluated 2025-11-01.

Conditions:
LRP5-related disorder. Also called: LRP5-related condition.

Allele frequency attached by ClinVar (database versions not stated): gnomAD 0.00001; ExAC 0.00002; gnomAD exomes 0.00002 and 0.00003.
gnomAD v4.1: 28 of 1,614,212 alleles (0.0017%); highest among the groups gnomAD compares: African/African-American, 0.0053%; no homozygotes.

Submissions (3):

PreventionGenetics, part of Exact Sciences
Classification: Likely benign for LRP5-related condition. Last evaluated: 2025-11-01. Review status: criteria provided, single submitter. Criteria: ACMG Guidelines, 2015. Collection method: clinical testing. Allele origin: germline.
Comment: This variant is classified as likely benign based on ACMG/AMP sequence variant interpretation guidelines (Richards et al. 2015 PMID: 25741868, with internal and published modifications).

Labcorp Genetics (formerly Invitae), Labcorp
Classification: Likely benign. Last evaluated: 2025-10-08. Review status: criteria provided, single submitter. Criteria: Invitae Variant Classification Sherloc (09022015). Collection method: clinical testing. Allele origin: germline.

Blueprint Genetics
Classification: Benign. Last evaluated: 2023-11-06. Review status: criteria provided, single submitter. Criteria: ACMG Guidelines, 2015. Collection method: clinical testing. Allele origin: germline.